The following is an entry in ClinVar:

ClinVar aggregate classification (germline): Uncertain significance (1 of 4 stars; one submission).

Submission:

Labcorp Genetics (formerly Invitae), Labcorp
Classification: Uncertain significance. Last evaluated: 2025-04-28. Review status: criteria provided, single submitter. Criteria: Invitae Variant Classification Sherloc (09022015). Collection method: clinical testing. Allele origin: germline.
Comment: This sequence change replaces histidine, which is basic and polar, with arginine, which is basic and polar, at codon 3019 of the DNAH9 protein (p.His3019Arg). This variant is not present in population databases (gnomAD no frequency). This variant has not been reported in the literature in individuals affected with DNAH9-related conditions. Invitae Evidence Modeling of protein sequence and biophysical properties (such as structural, functional, and spatial information, amino acid conservation, physicochemical variation, residue mobility, and thermodynamic stability) indicates that this missense variant is expected to disrupt DNAH9 protein function with a positive predictive value of 80%. In summary, the available evidence is currently insufficient to determine the role of this variant in disease. Therefore, it has been classified as a Variant of Uncertain Significance.

NM_001372.4(DNAH9):c.9056A>G (p.His3019Arg)

Gene: DNAH9 (dynein axonemal heavy chain 9; plus strand). Cytogenetic location: 17p12.
Variant type: single nucleotide variant.
Coding change: c.9056A>G on transcript NM_001372.4 (MANE Select); coding-DNA position 9056, A replaced by G.
Protein change: p.His3019Arg; replaces histidine 3019 with arginine.
Molecular consequence: missense variant.
Genome position (GRCh38, 1-based): chr17:11,822,844, A>G. VCF-style: chr17-11822844-A-G. GRCh37 (hg19) VCF-style: chr17-11726161-A-G.
Other names: short protein forms H3019R.
Identifiers: ClinVar variation 4740528 (VCV004740528.1).